The following is an entry in ClinVar:

NM_152564.5(VPS13B):c.11021C>T (p.Ser3674Leu)

Gene: VPS13B (vacuolar protein sorting 13 homolog B; plus strand). Cytogenetic location: 8q22.2.
Variant type: single nucleotide variant.
Coding change: c.11021C>T on transcript NM_152564.5 (MANE Select); coding-DNA position 11021, C replaced by T.
Protein change: p.Ser3674Leu; replaces serine 3674 with leucine.
Molecular consequence: missense variant.
Genome position (GRCh38, 1-based): chr8:99,859,457, C>T. VCF-style: chr8-99859457-C-T. GRCh37 (hg19) VCF-style: chr8-100871685-C-T.
Other names: c.11096C>T, p.Ser3699Leu (NM_017890.5); c.11021C>T (NM_152564.4); short protein forms S3699L, S3674L.
Identifiers: ClinVar variation 1401463 (VCV001401463.5), dbSNP rs771376605, ClinGen allele CA4825095.
Genomic context (GRCh38, chr8:99,859,457, plus strand): 5'-ATGAGGGGCTGACCCGGGGCCCTGGAGCCTTCGTGAGTGGCGTCTCCAGAGGGACCACAT[C>T]GTTTGTAAAGCACATCTCCAAAGGTAGCGGGTTCCGTTCCTTGTAATAATGCCTTCACTC-3'
Protein context (NP_689777.3, residues 3664-3684): FVSGVSRGTT[Ser3674Leu]FVKHISKGTL

ClinVar aggregate classification (germline): Uncertain significance. Review status: criteria provided, multiple submitters, no conflicts (2 of 4 stars). 3 submissions from 3 submitters: Uncertain significance (2). 1 of the submissions does not count toward it. Last evaluated 2023-03-31.

Conditions:
VPS13B-related disorder. Also called: VPS13B-related condition.
Cohen syndrome (COH1). Also called: Cutis verticis gyrata, retinitis pigmentosa, and sensorineural deafness; PEPPER SYNDROME. Identifiers: Orphanet 193, MedGen C0265223, MONDO:0008999, OMIM 216550.

Allele frequency attached by ClinVar (database versions not stated): gnomAD exomes below 0.00001; ExAC 0.00001; gnomAD 0.00003; TOPMed 0.00005.
gnomAD v4.1: 11 of 1,613,332 alleles (0.00068%); highest among the groups gnomAD compares: African/African-American, 0.0094%; no homozygotes.

Submissions (3):

Blueprint Genetics
Classification: Uncertain significance. Last evaluated: 2023-03-31. Review status: criteria provided, single submitter. Criteria: ACMG Guidelines, 2015. Collection method: clinical testing. Allele origin: germline.

Labcorp Genetics (formerly Invitae), Labcorp
Classification: Uncertain significance for Cohen syndrome. Last evaluated: 2022-06-16. Review status: criteria provided, single submitter. Criteria: Invitae Variant Classification Sherloc (09022015). Collection method: clinical testing. Allele origin: germline.
Comment: This sequence change replaces serine, which is neutral and polar, with leucine, which is neutral and non-polar, at codon 3699 of the VPS13B protein (p.Ser3699Leu). This variant is present in population databases (rs771376605, gnomAD 0.02%). This variant has not been reported in the literature in individuals affected with VPS13B-related conditions. Algorithms developed to predict the effect of missense changes on protein structure and function are either unavailable or do not agree on the potential impact of this missense change (SIFT: "Not Available"; PolyPhen-2: "Benign"; Align-GVGD: "Not Available"). In summary, the available evidence is currently insufficient to determine the role of this variant in disease. Therefore, it has been classified as a Variant of Uncertain Significance.

PreventionGenetics, part of Exact Sciences
Classification: Uncertain significance for VPS13B-related condition. Last evaluated: 2024-01-12. Review status: no assertion criteria provided. Collection method: clinical testing. Allele origin: germline. Not counted in ClinVar's aggregate classification.
Comment: The VPS13B c.11021C>T variant is predicted to result in the amino acid substitution p.Ser3674Leu. To our knowledge, this variant has not been reported in the literature. This variant is reported in 0.016% of alleles in individuals of African descent in gnomAD. At this time, the clinical significance of this variant is uncertain due to the absence of conclusive functional and genetic evidence.